The following is an entry in ClinVar:

NM_001134407.3(GRIN2A):c.2530A>C (p.Lys844Gln)

Gene: GRIN2A (glutamate ionotropic receptor NMDA type subunit 2A; minus strand). Cytogenetic location: 16p13.2.
Variant type: single nucleotide variant.
Coding change: c.2530A>C on transcript NM_001134407.3 (MANE Select); coding-DNA position 2530, A replaced by C.
Protein change: p.Lys844Gln; replaces lysine 844 with glutamine.
Molecular consequence: missense variant.
Genome position (GRCh38, 1-based): chr16:9,768,916, T>G on the plus strand (A>C on the coding strand, the complement: GRIN2A is on the minus strand). VCF-style: chr16-9768916-T-G. GRCh37 (hg19) VCF-style: chr16-9862773-T-G.
Other names: c.2530A>C, p.Lys844Gln (NM_000833.5, NM_001134408.2); short protein forms K844Q.
Identifiers: ClinVar variation 3605346 (VCV003605346.2).
Genomic context (GRCh38, chr16:9,768,916, plus strand): 5'-TGATGGAGAAGAGCAACCCAGGCCGGTCGGAGCACACGCCCGTGAAACAGAAGCGCAGCT[T>G]CCAGTAGAAGAGGTGCTCCCAGATGAAGGTGATGAGGCTAAGGGCCATGGCGGCAGCCAG-3'
Protein context (NP_001127879.1, residues 834-854): TFIWEHLFYW[Lys844Gln]LRFCFTGVCS

ClinVar aggregate classification (germline): Uncertain significance (1 of 4 stars; one submission).

Conditions:
Landau-Kleffner syndrome (FESD). Also called: EPILEPSY, FOCAL, WITH SPEECH DISORDER AND WITH OR WITHOUT MENTAL RETARDATION; APHASIA, ACQUIRED, WITH EPILEPSY. Identifiers: Orphanet 1945, Orphanet 725, Orphanet 98818, MedGen C0282512, MONDO:0009509, OMIM 245570.

Submission:

Labcorp Genetics (formerly Invitae), Labcorp
Classification: Uncertain significance for Landau-Kleffner syndrome. Last evaluated: 2024-03-10. Review status: criteria provided, single submitter. Criteria: Invitae Variant Classification Sherloc (09022015). Collection method: clinical testing. Allele origin: germline.
Comment: This sequence change replaces lysine, which is basic and polar, with glutamine, which is neutral and polar, at codon 844 of the GRIN2A protein (p.Lys844Gln). This variant is not present in population databases (gnomAD no frequency). This variant has not been reported in the literature in individuals affected with GRIN2A-related conditions. Advanced modeling of protein sequence and biophysical properties (such as structural, functional, and spatial information, amino acid conservation, physicochemical variation, residue mobility, and thermodynamic stability) performed at Invitae indicates that this missense variant is not expected to disrupt GRIN2A protein function with a negative predictive value of 95%. In summary, the available evidence is currently insufficient to determine the role of this variant in disease. Therefore, it has been classified as a Variant of Uncertain Significance.